The following is an entry in ClinVar:

NM_000038.6(APC):c.481C>T (p.Gln161Ter)

Gene: APC (APC regulator of Wnt signaling pathway; plus strand). Cytogenetic location: 5q22.2.
Variant type: single nucleotide variant.
Coding change: c.481C>T on transcript NM_000038.6 (MANE Select); coding-DNA position 481, C replaced by T.
Protein change: p.Gln161Ter; replaces glutamine 161 with a stop codon.
Molecular consequence: nonsense. On other transcripts: 5 prime UTR variant (1).
Genome position (GRCh38, 1-based): chr5:112,775,687, C>T. VCF-style: chr5-112775687-C-T. GRCh37 (hg19) VCF-style: chr5-112111384-C-T.
Other names: c.481C>T, p.Gln161Ter (NM_001127510.3, NM_001354895.2, NM_001354896.2 and 2 more transcripts); c.511C>T, p.Gln171Ter (NM_001127511.3, NM_001354897.2, NM_001354902.2); c.406C>T, p.Gln136Ter (NM_001354898.2, NM_001354904.2); c.304C>T, p.Gln102Ter (NM_001354900.2, NM_001354901.2, NM_001354905.2); c.-555C>T (NM_001354906.2); short protein forms Q161*, Q171*, Q102*, Q136*.
Identifiers: ClinVar variation 229997 (VCV000229997.22), dbSNP rs876658325, ClinGen allele CA10578293.
Genomic context (GRCh38, chr5:112,775,687, plus strand): 5'-AGGTCATTGCTTCTTGCTGATCTTGACAAAGAAGAAAAGGAAAAAGACTGGTATTACGCT[C>T]AACTTCAGAATCTCACTAAAAGAATAGATAGTCTTCCTTTAACTGAAAATGTAAGTAACT-3'

ClinVar aggregate classification (germline): Pathogenic. Review status: criteria provided, multiple submitters, no conflicts (2 of 4 stars). 6 submissions from 6 submitters: Pathogenic (6). Last evaluated 2025-11-05.

Conditions:
Classic or attenuated familial adenomatous polyposis. Identifiers: MedGen CN372698, MONDO:0021057.
Hereditary cancer-predisposing syndrome. Also called: Hereditary neoplastic syndrome; Hereditary Cancer Syndrome; Neoplastic Syndromes, Hereditary; Tumor predisposition. Identifiers: Orphanet 140162, MedGen C0027672, MeSH D009386, MONDO:0015356.
Familial adenomatous polyposis 1 (FAP1). Also called: FAMILIAL ADENOMATOUS POLYPOSIS 1, ATTENUATED; POLYPOSIS, ADENOMATOUS INTESTINAL. Identifiers: MedGen C2713442, MONDO:0021056, OMIM 175100. Disease mechanism: loss of function.

Submissions (6):

Labcorp Genetics (formerly Invitae), Labcorp
Classification: Pathogenic for Familial adenomatous polyposis 1. Last evaluated: 2025-11-05. Review status: criteria provided, single submitter. Criteria: Invitae Variant Classification Sherloc (09022015). Collection method: clinical testing. Allele origin: germline.
Comment: This sequence change creates a premature translational stop signal (p.Gln161*) in the APC gene. It is expected to result in an absent or disrupted protein product. Loss-of-function variants in APC are known to be pathogenic (PMID: 17963004, 20685668). This variant is not present in population databases (gnomAD no frequency). This premature translational stop signal has been observed in individual(s) with adenomatous polyposis (PMID: 11839722, 20223039, 23244118). ClinVar contains an entry for this variant (Variation ID: 229997). For these reasons, this variant has been classified as Pathogenic.

Department of Pathology and Laboratory Medicine, Sinai Health System
Classification: Pathogenic for classic or attenuated familial adenomatous polyposis. Last evaluated: 2024-08-26. Review status: criteria provided, single submitter. Criteria: ACMG Guidelines, 2015. Collection method: clinical testing. Allele origin: germline.

Ambry Genetics
Classification: Pathogenic for Hereditary cancer-predisposing syndrome. Last evaluated: 2023-05-30. Review status: criteria provided, single submitter. Criteria: Ambry Variant Classification Scheme 2023. Collection method: clinical testing. Allele origin: germline.
Comment: The p.Q161* pathogenic mutation (also known as c.481C>T), located in coding exon 4 of the APC gene, results from a C to T substitution at nucleotide position 481. This changes the amino acid from a glutamine to a stop codon within coding exon 4. This variant has been reported in several individuals with familial adenomatous polyposis (Matsumoto T et al. Gut 2002 Mar;50(3):402-4; Vandrovcov&aacute; J et al. Hum. Mutat. 2004 Apr;23(4):397; Friedl W et al. Hered. Cancer Clin. Pract. 2005 Sep;3(3):95-114; Poovorawan K et al. Asian Pac. J. Cancer Prev. 2012;13(10):5101-4). In addition to the clinical data presented in the literature, this alteration is expected to result in loss of function by premature protein truncation or nonsense-mediated mRNA decay. As such, this alteration is interpreted as a disease-causing mutation.

Myriad Genetics, Inc.
Classification: Pathogenic for Familial adenomatous polyposis 1. Last evaluated: 2023-04-26. Review status: criteria provided, single submitter. Criteria: Myriad Autosomal Dominant, Autosomal Recessive and X-Linked Classification Criteria (2023). Collection method: clinical testing. Allele origin: unknown.
Comment: This variant is considered pathogenic. This variant creates a termination codon and is predicted to result in premature protein truncation.

GeneDx
Classification: Pathogenic. Last evaluated: 2022-10-17. Review status: criteria provided, single submitter. Criteria: GeneDx Variant Classification Process June 2021. Collection method: clinical testing. Allele origin: germline. Affected: yes.
Comment: Nonsense variant predicted to result in protein truncation or nonsense mediated decay in a gene for which loss of function is a known mechanism of disease; Not observed at significant frequency in large population cohorts (gnomAD); This variant is associated with the following publications: (PMID: 25525159, 32025882, 11839722, 15024739, 20223039, 23244118)

Clinical Genetics and Genomics, Karolinska University Hospital
Classification: Pathogenic. Last evaluated: 2019-04-12. Review status: criteria provided, single submitter. Criteria: ACMG Guidelines, 2015. Collection method: clinical testing. Allele origin: germline. Affected: yes. Observed: 1 variant allele.

Literature cited by the submitters: PubMed 17963004 (cited by Labcorp Genetics (formerly Invitae), Labcorp); PubMed 20685668 (cited by Labcorp Genetics (formerly Invitae), Labcorp); PubMed 11839722 (cited by 3 submitters); PubMed 20223039 (cited by 3 submitters); PubMed 23244118 (cited by 3 submitters); PubMed 15024739 (cited by Ambry Genetics).